The following is an entry in ClinVar:

ClinVar aggregate classification (germline): Uncertain significance (1 of 4 stars; one submission).

gnomAD v4.1: 3 of 1,476,206 alleles (0.0002%); highest among the groups gnomAD compares: South Asian, 0.0039%; no homozygotes.

Submission:

Labcorp Genetics (formerly Invitae), Labcorp
Classification: Uncertain significance. Last evaluated: 2022-07-13. Review status: criteria provided, single submitter. Criteria: Invitae Variant Classification Sherloc (09022015). Collection method: clinical testing. Allele origin: germline.
Comment: This sequence change replaces alanine, which is neutral and non-polar, with valine, which is neutral and non-polar, at codon 87 of the SPEG protein (p.Ala87Val). The frequency data for this variant in the population databases is considered unreliable, as metrics indicate poor data quality at this position in the gnomAD database. This variant has not been reported in the literature in individuals affected with SPEG-related conditions. ClinVar contains an entry for this variant (Variation ID: 1515067). Algorithms developed to predict the effect of missense changes on protein structure and function output the following: SIFT: "Tolerated"; PolyPhen-2: "Benign"; Align-GVGD: "Class C0". The valine amino acid residue is found in multiple mammalian species, which suggests that this missense change does not adversely affect protein function. In summary, the available evidence is currently insufficient to determine the role of this variant in disease. Therefore, it has been classified as a Variant of Uncertain Significance.

NM_005876.5(SPEG):c.260C>T (p.Ala87Val)

Gene: SPEG (striated muscle enriched protein kinase; plus strand). Cytogenetic location: 2q35.
Variant type: single nucleotide variant.
Coding change: c.260C>T on transcript NM_005876.5 (MANE Select); coding-DNA position 260, C replaced by T.
Protein change: p.Ala87Val; replaces alanine 87 with valine.
Molecular consequence: missense variant.
Genome position (GRCh38, 1-based): chr2:219,435,237, C>T. VCF-style: chr2-219435237-C-T. GRCh37 (hg19) VCF-style: chr2-220299959-C-T.
Other names: short protein forms A87V.
Identifiers: ClinVar variation 1515067 (VCV001515067.5), dbSNP rs777665655, ClinGen allele CA350704177.